The following is an entry in ClinVar:

NM_002519.3(NPAT):c.2994A>C (p.Arg998Ser)

Gene: NPAT (nuclear protein, coactivator of histone transcription; minus strand). Cytogenetic location: 11q22.3.
Variant type: single nucleotide variant.
Coding change: c.2994A>C on transcript NM_002519.3 (MANE Select); coding-DNA position 2994, A replaced by C.
Protein change: p.Arg998Ser; replaces arginine 998 with serine.
Molecular consequence: missense variant.
Genome position (GRCh38, 1-based): chr11:108,169,760, T>G on the plus strand (A>C on the coding strand, the complement: NPAT is on the minus strand). VCF-style: chr11-108169760-T-G. GRCh37 (hg19) VCF-style: chr11-108040487-T-G.
Other names: c.2994A>C, p.Arg998Ser (NM_001321307.1); short protein forms R998S.
Identifiers: ClinVar variation 1798550 (VCV001798550.2), dbSNP rs2496710570, ClinGen allele CA382511786.

ClinVar aggregate classification (germline): Uncertain significance (1 of 4 stars; one submission).

Submission:

Ambry Genetics
Classification: Uncertain significance. Last evaluated: 2021-10-29. Review status: criteria provided, single submitter. Criteria: Ambry Variant Classification Scheme 2023. Collection method: clinical testing. Allele origin: germline.
Comment: The p.R998S variant (also known as c.2994A>C), located in coding exon 15 of the NPAT gene, results from an A to C substitution at nucleotide position 2994. The arginine at codon 998 is replaced by serine, an amino acid with dissimilar properties. This amino acid position is conserved. In addition, this alteration is predicted to be tolerated by in silico analysis. Since supporting evidence is limited at this time, the clinical significance of this alteration remains unclear.